The following is an entry in ClinVar:

ClinVar aggregate classification (germline): Uncertain significance. Review status: criteria provided, multiple submitters, no conflicts (2 of 4 stars). 2 submissions from 2 submitters: Uncertain significance (2). Last evaluated 2023-01-31.

Conditions:
Early-infantile DEE. Also called: Early infantile epileptic encephalopathy with suppression bursts; Ohtahara syndrome; Early infantile epileptic encephalopathy. Identifiers: Orphanet 1934, MedGen C0393706, MONDO:0800491.
Generalized epilepsy with febrile seizures plus, type 2 (GEFSP2). Also called: GEFS+, TYPE 2. Identifiers: Orphanet 36387, MedGen C1858673, MONDO:0011461, OMIM 604403.

Submissions (2):

Centre for Inherited Metabolic Diseases, Karolinska University Hospital
Classification: Uncertain significance for Generalized epilepsy with febrile seizures plus, type 2. Last evaluated: 2023-01-31. Review status: criteria provided, single submitter. Criteria: ACMG Guidelines, 2015. Collection method: clinical testing. Allele origin: inherited. Inheritance: Autosomal dominant inheritance. Affected: yes. Observed: 1 heterozygote.

Labcorp Genetics (formerly Invitae), Labcorp
Classification: Uncertain significance for Early-infantile DEE. Last evaluated: 2018-10-04. Review status: criteria provided, single submitter. Criteria: Invitae Variant Classification Sherloc (09022015). Collection method: clinical testing. Allele origin: germline.
Comment: In summary, the available evidence is currently insufficient to determine the role of this variant in disease. Therefore, it has been classified as a Variant of Uncertain Significance. This variant has not been reported in the literature in individuals with SCN1A-related disease. Algorithms developed to predict the effect of missense changes on protein structure and function (SIFT, PolyPhen-2, Align-GVGD) all suggest that this variant is likely to be disruptive, but these predictions have not been confirmed by published functional studies and their clinical significance is uncertain. This sequence change replaces threonine with alanine at codon 1601 of the SCN1A protein (p.Thr1601Ala). The threonine residue is highly conserved and there is a small physicochemical difference between threonine and alanine. This variant is not present in population databases (ExAC no frequency).

NM_001165963.4(SCN1A):c.4801A>G (p.Thr1601Ala)

Genes: SCN1A (sodium voltage-gated channel alpha subunit 1; minus strand), LOC102724058 (uncharacterized LOC102724058; plus strand). Cytogenetic location: 2q24.3.
Variant type: single nucleotide variant.
Coding change: c.4801A>G on transcript NM_001165963.4 (MANE Select); coding-DNA position 4801, A replaced by G.
Protein change: p.Thr1601Ala; replaces threonine 1601 with alanine.
Molecular consequence: missense variant. On other transcripts: non-coding transcript variant (1).
Genome position (GRCh38, 1-based): chr2:165,994,197, T>C on the plus strand (A>G on the coding strand, the complement: SCN1A is on the minus strand). VCF-style: chr2-165994197-T-C. GRCh37 (hg19) VCF-style: chr2-166850707-T-C.
Other names: c.4717A>G, p.Thr1573Ala (NM_001165964.3, NM_001353957.2, NM_001353958.2); c.4801A>G, p.Thr1601Ala (NM_001202435.3, NM_001353948.2); c.4768A>G, p.Thr1590Ala (NM_001353949.2, NM_001353950.2, NM_001353951.2 and 2 more transcripts); c.4765A>G, p.Thr1589Ala (NM_001353954.2, NM_001353955.2); c.4714A>G, p.Thr1572Ala (NM_001353960.2); c.2359A>G, p.Thr787Ala (NM_001353961.2); short protein forms T1573A, T1589A, T1590A, T787A, T1572A, T1601A.
Identifiers: ClinVar variation 665201 (VCV000665201.13), dbSNP rs1573963046, ClinGen allele CA349071492.